The following is an entry in ClinVar:

NM_004415.4(DSP):c.6571A>G (p.Arg2191Gly)

Gene: DSP (desmoplakin; plus strand). Cytogenetic location: 6p24.3.
Variant type: single nucleotide variant.
Coding change: c.6571A>G on transcript NM_004415.4 (MANE Select); coding-DNA position 6571, A replaced by G.
Protein change: p.Arg2191Gly; replaces arginine 2191 with glycine.
Molecular consequence: missense variant.
Genome position (GRCh38, 1-based): chr6:7,583,833, A>G. VCF-style: chr6-7583833-A-G. GRCh37 (hg19) VCF-style: chr6-7584066-A-G.
Other names: p.Arg2191Gly; c.4774A>G, p.Arg1592Gly (NM_001008844.3); c.5242A>G, p.Arg1748Gly (NM_001319034.2); short protein forms R1592G, R1748G, R2191G.
Identifiers: ClinVar variation 2682918 (VCV002682918.3), dbSNP rs2113700688, ClinGen allele CA362691080.
Genomic context (GRCh38, chr6:7,583,833, plus strand): 5'-AACTTTGTGGATCCAGTCACCAAAAAGAAGGTCAGTTACGTGCAGCTGAAGGAACGGTGC[A>G]GAATCGAACCACATACTGGTCTGCTCTTGCTTTCAGTACAGAAGAGAAGCATGTCCTTCC-3'
Protein context (NP_004406.2, residues 2181-2201): VSYVQLKERC[Arg2191Gly]IEPHTGLLLL

ClinVar aggregate classification (germline): Uncertain significance. Review status: criteria provided, multiple submitters, no conflicts (2 of 4 stars). 3 submissions from 3 submitters: Uncertain significance (3). Last evaluated 2025-07-31.

Conditions:
Cardiovascular phenotype. Identifiers: MedGen CN230736.
Arrhythmogenic cardiomyopathy with wooly hair and keratoderma. Also called: Carvajal syndrome; Dilated cardiomyopathy with woolly hair and keratoderma; Arrhythmogenic cardiomyopathy with woolly hair and keratoderma; PALMOPLANTAR KERATODERMA WITH LEFT VENTRICULAR CARDIOMYOPATHY AND WOOLLY HAIR. Identifiers: Orphanet 65282, MedGen C1854063, MONDO:0011581, OMIM 605676.
Arrhythmogenic right ventricular dysplasia 8 (ARVD8). Also called: Arrhythmogenic Right Ventricular Dysplasia/Cardiomyopathy 8; ARRHYTHMOGENIC RIGHT VENTRICULAR DYSPLASIA, FAMILIAL, 8; ARRHYTHMOGENIC RIGHT VENTRICULAR CARDIOMYOPATHY 8. Identifiers: MedGen C1843896, MONDO:0011831, OMIM 607450.

Submissions (3):

Ambry Genetics
Classification: Uncertain significance for Cardiovascular phenotype. Last evaluated: 2025-07-31. Review status: criteria provided, single submitter. Criteria: Ambry Variant Classification Scheme 2023. Collection method: clinical testing. Allele origin: germline.

Labcorp Genetics (formerly Invitae), Labcorp
Classification: Uncertain significance for Arrhythmogenic cardiomyopathy with wooly hair and keratoderma; Arrhythmogenic right ventricular dysplasia 8. Last evaluated: 2025-04-26. Review status: criteria provided, single submitter. Criteria: Invitae Variant Classification Sherloc (09022015). Collection method: clinical testing. Allele origin: germline.
Comment: This sequence change replaces arginine, which is basic and polar, with glycine, which is neutral and non-polar, at codon 2191 of the DSP protein (p.Arg2191Gly). This variant is not present in population databases (gnomAD no frequency). This variant has not been reported in the literature in individuals affected with DSP-related conditions. ClinVar contains an entry for this variant (Variation ID: 2682918). An algorithm developed to predict the effect of missense changes on protein structure and function (PolyPhen-2) suggests that this variant is likely to be disruptive. In summary, the available evidence is currently insufficient to determine the role of this variant in disease. Therefore, it has been classified as a Variant of Uncertain Significance.

Mayo Clinic Laboratories, Mayo Clinic
Classification: Uncertain significance. Last evaluated: 2023-01-12. Review status: criteria provided, single submitter. Criteria: ACMG Guidelines, 2015. Collection method: clinical testing. Allele origin: germline. Observed: 1 variant allele.
Comment: PM2_supporting